The following is an entry in ClinVar:

NM_020822.3(KCNT1):c.763G>A (p.Asp255Asn)

Gene: KCNT1 (potassium sodium-activated channel subfamily T member 1; plus strand). Cytogenetic location: 9q34.3.
Variant type: single nucleotide variant.
Coding change: c.763G>A on transcript NM_020822.3 (MANE Select); coding-DNA position 763, G replaced by A.
Protein change: p.Asp255Asn; replaces aspartic acid 255 with asparagine.
Molecular consequence: missense variant.
Genome position (GRCh38, 1-based): chr9:135,758,417, G>A. VCF-style: chr9-135758417-G-A. GRCh37 (hg19) VCF-style: chr9-138650263-G-A.
Other names: c.619G>A, p.Asp207Asn (NM_001272003.2); short protein forms D207N, D255N.
Identifiers: ClinVar variation 2004106 (VCV002004106.4), dbSNP rs2490848218, ClinGen allele CA375498019.

ClinVar aggregate classification (germline): Uncertain significance (1 of 4 stars; one submission).

Conditions:
Autosomal dominant nocturnal frontal lobe epilepsy 5. Also called: CILIARY DYSKINESIA, PRIMARY, 28, WITH SITUS INVERSUS; CILIARY DYSKINESIA, PRIMARY, 28, WITHOUT SITUS INVERSUS; KCNT1-Related Epilepsy; Epilepsy, nocturnal frontal lobe, 5. Identifiers: Orphanet 98784, MedGen C3554306, MONDO:0014002, OMIM 615005.
Developmental and epileptic encephalopathy, 14 (DEE14). Also called: Early infantile epileptic encephalopathy 14. Identifiers: Orphanet 293181, MedGen C3554195, MONDO:0013989, OMIM 614959.

Submission:

Labcorp Genetics (formerly Invitae), Labcorp
Classification: Uncertain significance for Autosomal dominant nocturnal frontal lobe epilepsy 5; Developmental and epileptic encephalopathy, 14. Last evaluated: 2022-09-30. Review status: criteria provided, single submitter. Criteria: Invitae Variant Classification Sherloc (09022015). Collection method: clinical testing. Allele origin: germline.
Comment: In summary, the available evidence is currently insufficient to determine the role of this variant in disease. Therefore, it has been classified as a Variant of Uncertain Significance. Advanced modeling of protein sequence and biophysical properties (such as structural, functional, and spatial information, amino acid conservation, physicochemical variation, residue mobility, and thermodynamic stability) performed at Invitae indicates that this missense variant is expected to disrupt KCNT1 protein function. This variant has not been reported in the literature in individuals affected with KCNT1-related conditions. This variant is not present in population databases (gnomAD no frequency). This sequence change replaces aspartic acid, which is acidic and polar, with asparagine, which is neutral and polar, at codon 255 of the KCNT1 protein (p.Asp255Asn).